The following is an entry in ClinVar:

Conditions:
Breast-ovarian cancer, familial, susceptibility to, 1 (BROVCA1). Also called: BRCA1 Hereditary Breast and Ovarian Cancer; OVARIAN CANCER, SUSCEPTIBILITY TO. Identifiers: Orphanet 145, MedGen C2676676, MONDO:0011450, OMIM 604370. Disease mechanism: loss of function.

Submission:

Brotman Baty Institute, University of Washington
No classification provided (evidence only). Condition: Breast-ovarian cancer, familial 1. Review status: no classification provided. Collection method: in vitro. Allele origin: not applicable. Functional consequence: function_uncertain_variant.
ClinVar note: "not provided" was previously submitted as the classification for the variant. However, the classification appeared to be based only on an observation of functional data so it was converted to no classification on 2025-07-30.

NM_007294.4(BRCA1):c.5302T>C (p.Cys1768Arg)

Gene: BRCA1 (BRCA1 DNA repair associated; minus strand). Cytogenetic location: 17q21.31.
Variant type: single nucleotide variant.
Coding change: c.5302T>C on transcript NM_007294.4 (MANE Select); coding-DNA position 5302, T replaced by C.
Protein change: p.Cys1768Arg; replaces cysteine 1768 with arginine.
Molecular consequence: missense variant. On other transcripts: non-coding transcript variant (1).
Genome position (GRCh38, 1-based): chr17:43,051,093, A>G on the plus strand (T>C on the coding strand, the complement: BRCA1 is on the minus strand). VCF-style: chr17-43051093-A-G. GRCh37 (hg19) VCF-style: chr17-41203110-A-G.
Other names: c.5173T>C, p.Cys1725Arg (NM_001407687.1, NM_001407688.1, NM_001407689.1 and 6 more transcripts); c.5170T>C, p.Cys1724Arg (NM_001407690.1, NM_001407691.1); c.5161T>C, p.Cys1721Arg (NM_001407728.1, NM_001407729.1, NM_001407730.1 and 13 more transcripts); c.5158T>C, p.Cys1720Arg (NM_001407732.1, NM_001407733.1, NM_001407734.1 and 21 more transcripts); c.5155T>C, p.Cys1719Arg (NM_001407838.1, NM_001407839.1, NM_001407841.1 and 12 more transcripts); c.5302T>C, p.Cys1768Arg (NM_001407854.1, NM_001407593.1, NM_001407594.1 and 6 more transcripts); c.5299T>C, p.Cys1767Arg (NM_001407858.1, NM_001407859.1, NM_001407860.1 and 17 more transcripts); c.5296T>C, p.Cys1766Arg (NM_001407861.1, NM_001407627.1, NM_001407628.1 and 14 more transcripts); and 72 more; short protein forms C1721R, C1768R, C664R, C1789R, C1640R, C1641R, C1657R, C1678R.
Identifiers: ClinVar variation 868296 (VCV000868296.3), dbSNP rs431825416, ClinGen allele CA10590944.
Genomic context (GRCh38, chr17:43,051,093, plus strand): 5'-TGGAACTCTGGGGTTCTCCCAGGCTCTTACCTGTGGGCATGTTGGTGAAGGGCCCATAGC[A>G]ACAGATTTCTAGCCCCCTGAAGATCTGGAAGAAGAGAGGAAGAGAGAGGGACAGGGGAAT-3'
Protein context (NP_009225.1, residues 1758-1778): RKIFRGLEIC[Cys1768Arg]YGPFTNMPTD